The following is an entry in ClinVar:

ClinVar aggregate classification (germline): Likely benign. Review status: criteria provided, multiple submitters, no conflicts (2 of 4 stars). 3 submissions from 3 submitters: Likely benign (3). Last evaluated 2024-05-24.

Conditions:
Cardiovascular phenotype. Identifiers: MedGen CN230736.

Allele frequency attached by ClinVar (database versions not stated): ExAC 0.00001; gnomAD 0.00001; TOPMed 0.00002.
gnomAD v4.1: 8 of 1,614,096 alleles (0.0005%); highest among the groups gnomAD compares: East Asian, 0.0045%; no homozygotes.

Submissions (3):

Ambry Genetics
Classification: Likely benign for Cardiovascular phenotype. Last evaluated: 2024-05-24. Review status: criteria provided, single submitter. Criteria: Ambry Variant Classification Scheme 2023. Collection method: clinical testing. Allele origin: germline.

Blueprint Genetics
Classification: Likely benign. Last evaluated: 2020-03-10. Review status: criteria provided, single submitter. Criteria: ACMG Guidelines, 2015. Collection method: clinical testing. Allele origin: germline.

Laboratory for Molecular Medicine, Mass General Brigham Personalized Medicine
Classification: Likely benign. Last evaluated: 2012-05-17. Review status: criteria provided, single submitter. Criteria: LMM Criteria. Collection method: clinical testing. Allele origin: germline. Observed: 1 variant allele.
Comment: Ile1673Ile in exon 34 of MYH6: This variant is not expected to have clinical sig nificance because it does not alter an amino acid residue and is not located wit hin the splice consensus sequence Ile1673Ile in exon 34 of MYH6 (allele frequen cy = n/a)

NM_002471.4(MYH6):c.5019C>T (p.Ile1673=)

Genes: MYH6 (myosin heavy chain 6; minus strand), LOC126861896 (BRD4-independent group 4 enhancer GRCh37_chr14:23854904-23856103; plus strand). Cytogenetic location: 14q11.2.
Variant type: single nucleotide variant.
Coding change: c.5019C>T on transcript NM_002471.4 (MANE Select); coding-DNA position 5019, C replaced by T.
Protein change: p.Ile1673=; no amino-acid change (isoleucine 1673 retained).
Molecular consequence: synonymous variant.
Genome position (GRCh38, 1-based): chr14:23,386,072, G>A on the plus strand (C>T on the coding strand, the complement: MYH6 is on the minus strand). VCF-style: chr14-23386072-G-A. GRCh37 (hg19) VCF-style: chr14-23855281-G-A.
Identifiers: ClinVar variation 44530 (VCV000044530.6), dbSNP rs397516773, ClinGen allele CA134457.